The following is an entry in ClinVar:

ClinVar aggregate classification (germline): Uncertain significance (1 of 4 stars; one submission).

Conditions:
SLC6A9-related disorder. Also called: SLC6A9-related condition.

Allele frequency attached by ClinVar (database versions not stated): gnomAD 0.00001; TOPMed 0.00001.
gnomAD v4.1: 2 of 1,613,904 alleles (0.00012%); highest among the groups gnomAD compares: Admixed American, 0.0017%; no homozygotes.

Submission:

PreventionGenetics, part of Exact Sciences
Classification: Uncertain significance for SLC6A9-related condition. Last evaluated: 2022-12-28. Review status: criteria provided, single submitter. Criteria: ACMG Guidelines, 2015. Collection method: clinical testing. Allele origin: germline.
Comment: The SLC6A9 c.2052C>A variant is predicted to result in the amino acid substitution p.His684Gln. To our knowledge, this variant has not been reported in the literature. This variant is reported in 0.0029% of alleles in individuals of Latino descent in gnomAD. At this time, the clinical significance of this variant is uncertain due to the absence of conclusive functional and genetic evidence.

NM_001024845.3(SLC6A9):c.1833C>A (p.His611Gln)

Gene: SLC6A9 (solute carrier family 6 member 9; minus strand). Cytogenetic location: 1p34.1.
Variant type: single nucleotide variant.
Coding change: c.1833C>A on transcript NM_001024845.3 (MANE Select); coding-DNA position 1833, C replaced by A.
Protein change: p.His611Gln; replaces histidine 611 with glutamine.
Molecular consequence: missense variant. On other transcripts: non-coding transcript variant (1).
Genome position (GRCh38, 1-based): chr1:43,997,614, G>T on the plus strand (C>A on the coding strand, the complement: SLC6A9 is on the minus strand). VCF-style: chr1-43997614-G-T. GRCh37 (hg19) VCF-style: chr1-44463286-G-T.
Other names: c.1845C>A, p.His615Gln (NM_001261380.2); c.1500C>A, p.His500Gln (NM_001328626.2); c.1770C>A, p.His590Gln (NM_001328627.1); c.1638C>A, p.His546Gln (NM_001328628.1); c.1833C>A, p.His611Gln (NM_001328629.1); c.1329C>A, p.His443Gln (NM_001328630.2); c.1890C>A, p.His630Gln (NM_006934.4); c.2052C>A, p.His684Gln (NM_201649.4); short protein forms H443Q, H500Q, H546Q, H590Q, H611Q, H615Q, H630Q, H684Q.
Identifiers: ClinVar variation 2635524 (VCV002635524.1), dbSNP rs779879426, ClinGen allele CA817341.